The following is an entry in ClinVar:

NM_000257.4(MYH7):c.1888C>T (p.Pro630Ser)

Gene: MYH7 (myosin heavy chain 7; minus strand). Cytogenetic location: 14q11.2.
Variant type: single nucleotide variant.
Coding change: c.1888C>T on transcript NM_000257.4 (MANE Select); coding-DNA position 1888, C replaced by T.
Protein change: p.Pro630Ser; replaces proline 630 with serine.
Molecular consequence: missense variant.
Genome position (GRCh38, 1-based): chr14:23,427,585, G>A on the plus strand (C>T on the coding strand, the complement: MYH7 is on the minus strand). VCF-style: chr14-23427585-G-A. GRCh37 (hg19) VCF-style: chr14-23896794-G-A.
Other names: short protein forms P630S.
Identifiers: ClinVar variation 42870 (VCV000042870.11), dbSNP rs397516124, ClinGen allele CA011413.

ClinVar aggregate classification (germline): Uncertain significance. Review status: criteria provided, multiple submitters, no conflicts (2 of 4 stars). 4 submissions from 4 submitters: Uncertain significance (4). Last evaluated 2025-09-10.

Conditions:
Myosin storage myopathy (CMYO7A). Also called: SCAPULOPERONEAL MUSCULAR DYSTROPHY; SCAPULOPERONEAL SYNDROME, MYOPATHIC TYPE; MYH7-related late-onset scapuloperoneal muscular dystrophy; Congenital myopathy 7A, myosin storage, autosomal dominant; MYOPATHY WITH LYSIS OF TYPE I MYOFIBRILS; Scapuloperoneal myopathy, MYH7-related. Identifiers: Orphanet 437572, Orphanet 636965, MedGen C1842160, MONDO:0008409, OMIM 608358.
Cardiomyopathy (CMYO). Also called: Cardiomyopathies. Identifiers: Orphanet 167848, MedGen C0878544, MONDO:0004994, HP:0001638. Inheritance: Various modes of inheritance.
Hypertrophic cardiomyopathy. Also called: HYPERTROPHIC MYOCARDIOPATHY. Identifiers: Orphanet 217569, MedGen C0007194, MeSH D002312, MONDO:0005045, HP:0001639.

Allele frequency attached by ClinVar (database versions not stated): ExAC 0.00002; TOPMed below 0.00001; gnomAD 0.00001; gnomAD exomes 0.00001.
gnomAD v4.1: 19 of 1,613,846 alleles (0.0012%); highest among the groups gnomAD compares: Non-Finnish European, 0.0015%; no homozygotes.

Submissions (4):

Genomic Medicine Center of Excellence, King Faisal Specialist Hospital and Research Centre
Classification: Uncertain significance for Myosin storage myopathy. Last evaluated: 2025-09-10. Review status: criteria provided, single submitter. Criteria: ACMG Guidelines, 2015. Collection method: clinical testing. Allele origin: germline.

Labcorp Genetics (formerly Invitae), Labcorp
Classification: Uncertain significance for Hypertrophic cardiomyopathy. Last evaluated: 2025-08-18. Review status: criteria provided, single submitter. Criteria: Invitae Variant Classification Sherloc (09022015). Collection method: clinical testing. Allele origin: germline.
Comment: This sequence change replaces proline, which is neutral and non-polar, with serine, which is neutral and polar, at codon 630 of the MYH7 protein (p.Pro630Ser). This variant is present in population databases (rs397516124, gnomAD 0.004%). This missense change has been observed in individual(s) with dilated cardiomyopathy (PMID: 27532257, 37652022). ClinVar contains an entry for this variant (Variation ID: 42870). An algorithm developed to predict the effect of missense changes on protein structure and function (PolyPhen-2) suggests that this variant is likely to be tolerated. This variant is found within a region of MYH7 between codons 181 and 937 that contains the majority of the myosin head domain. Missense variants in this region have been shown to be significantly overrepresented in individuals with hypertrophic cardiomyopathy (PMID: 27532257). In summary, the available evidence is currently insufficient to determine the role of this variant in disease. Therefore, it has been classified as a Variant of Uncertain Significance.

All of Us Research Program, National Institutes of Health
Classification: Uncertain significance for Cardiomyopathy. Last evaluated: 2023-06-28. Review status: criteria provided, single submitter. Criteria: ACMG Guidelines, 2015. Collection method: clinical testing. Allele origin: germline. Inheritance: Autosomal dominant inheritance. Observed: 2 variant alleles, 2 heterozygotes.
Comment: This missense variant replaces proline with serine at codon 630 of the MYH7 protein. Computational prediction suggests that this variant may not impact protein structure and function (internally defined REVEL score threshold <= 0.5, PMID: 27666373). To our knowledge, functional studies have not been reported for this variant. This variant has been reported in an individual affected with dilated cardiomyopathy (PMID: 24503780, 27532257). This variant has been identified in 4/282388 chromosomes in the general population by the Genome Aggregation Database (gnomAD). The available evidence is insufficient to determine the role of this variant in disease conclusively. Therefore, this variant is classified as a Variant of Uncertain Significance.

This study involves interpretation of variants in research participants for the purpose of population health screening. Participant phenotype was not available at the time of variant classification. Additional details can be found in publication PMID: 35346344, PMCID: PMC8962531

Laboratory for Molecular Medicine, Mass General Brigham Personalized Medicine
Classification: Uncertain significance. Last evaluated: 2014-01-19. Review status: criteria provided, single submitter. Criteria: LMM Criteria. Collection method: clinical testing. Allele origin: germline. Observed: 1 variant allele.
Comment: proposed classification - variant undergoing re-assessment, contact laboratory

Literature cited by the submitters: PubMed 27532257 (cited by Labcorp Genetics (formerly Invitae), Labcorp and All of Us Research Program, National Institutes of Health); PubMed 37652022 (cited by Labcorp Genetics (formerly Invitae), Labcorp); PubMed 24503780 (cited by All of Us Research Program, National Institutes of Health).